The following is an entry in ClinVar:

NM_004560.4(ROR2):c.1686C>T (p.His562=)

Gene: ROR2 (ROR family WNT receptor 2; minus strand). Cytogenetic location: 9q22.31.
Variant type: single nucleotide variant.
Coding change: c.1686C>T on transcript NM_004560.4 (MANE Select); coding-DNA position 1686, C replaced by T.
Protein change: p.His562=; no amino-acid change (histidine 562 retained).
Molecular consequence: synonymous variant.
Genome position (GRCh38, 1-based): chr9:91,724,808, G>A on the plus strand (C>T on the coding strand, the complement: ROR2 is on the minus strand). VCF-style: chr9-91724808-G-A. GRCh37 (hg19) VCF-style: chr9-94487090-G-A.
Identifiers: ClinVar variation 281495 (VCV000281495.24), dbSNP rs56048121, ClinGen allele CA5120611.
Genomic context (GRCh38, chr9:91,724,808, plus strand): 5'-CGTGCGGTCATCATCGGTGCTGCCCACGTCCGAGTGCGGCGAGCGCATGACCAGGAATTC[G>A]TGGAGGTCGCCGTGCGAACAGTAGCTGAAGATCATGCTCAGGGGCTGGTCCTTGGTCACC-3'
Protein context (NP_004551.2, residues 552-572): IFSYCSHGDL[His562=]EFLVMRSPHS

ClinVar aggregate classification (germline): Benign. Review status: criteria provided, multiple submitters, no conflicts (2 of 4 stars). 7 submissions from 6 submitters: Benign (6). 1 of the submissions does not count toward it. Last evaluated 2026-02-01.

Conditions:
ROR2-related disorder. Also called: ROR2-related disorders; ROR2-related condition.
Brachydactyly type B1 (BDB1). Identifiers: Orphanet 572385, Orphanet 93383, MedGen C1862112, MONDO:0007220, OMIM 113000.
Autosomal recessive Robinow syndrome (RRS1). Also called: ROBINOW SYNDROME, AUTOSOMAL RECESSIVE 1; COSTOVERTEBRAL SEGMENTATION DEFECT WITH MESOMELIA; COVESDEM SYNDROME; ROR2-Related Robinow Syndrome. Identifiers: Orphanet 1507, Orphanet 97360, MedGen C5399974, MONDO:0009999, OMIM 268310.

Allele frequency attached by ClinVar (database versions not stated): ESP Exome Variant Server 0.00031; gnomAD 0.00232 and 0.00351; TOPMed 0.00411; ExAC 0.00671; gnomAD exomes 0.00722; 1000 Genomes Project 30x 0.01858; 1000 Genomes Project 0.02037.
gnomAD v4.1: 4,393 of 1,608,786 alleles (0.27%); highest among the groups gnomAD compares: East Asian, 7.9%; 142 homozygotes.

Submissions (7):

Labcorp Genetics (formerly Invitae), Labcorp
Classification: Benign. Last evaluated: 2026-02-01. Review status: criteria provided, single submitter. Criteria: Invitae Variant Classification Sherloc (09022015). Collection method: clinical testing. Allele origin: germline.

GeneDx
Classification: Benign. Last evaluated: 2018-11-08. Review status: criteria provided, single submitter. Criteria: GeneDx Variant Classification Process June 2021. Collection method: clinical testing. Allele origin: germline. Affected: yes.

Illumina Laboratory Services, Illumina
Classification: Benign for Brachydactyly type B1. Last evaluated: 2018-01-12. Review status: criteria provided, single submitter. Criteria: ICSL Variant Classification Criteria 13 December 2019. Collection method: clinical testing. Allele origin: germline.
Comment: This variant was observed in the ICSL laboratory as part of a predisposition screen in an ostensibly healthy population. It had not been previously curated by ICSL or reported in the Human Gene Mutation Database (HGMD: prior to June 1st, 2018), and was therefore a candidate for classification through an automated scoring system. Utilizing variant allele frequency, disease prevalence and penetrance estimates, and inheritance mode, an automated score was calculated to assess if this variant is too frequent to cause the disease. Based on the score and internal cut-off values, a variant classified as benign is not then subjected to further curation. The score for this variant resulted in a classification of benign for this disease.

Illumina Laboratory Services, Illumina
Classification: Benign for Autosomal recessive Robinow syndrome. Last evaluated: 2018-01-12. Review status: criteria provided, single submitter. Criteria: ICSL Variant Classification Criteria 13 December 2019. Collection method: clinical testing. Allele origin: germline.
Comment: the same text as in the submission from Illumina Laboratory Services, Illumina above.

Eurofins Ntd Llc (ga)
Classification: Benign. Last evaluated: 2015-06-16. Review status: criteria provided, single submitter. Criteria: EGL Classification Definitions 2015. Collection method: clinical testing. Allele origin: germline. Observed: 1 variant allele, 1 heterozygote.

Breakthrough Genomics
Classification: Benign. Review status: criteria provided, single submitter. Criteria: ACMG Guidelines, 2015. Collection method: not provided. Allele origin: germline. Inheritance: Autosomal recessive inheritance. Affected: yes.

PreventionGenetics, part of Exact Sciences
Classification: Benign for ROR2-related condition. Last evaluated: 2019-03-07. Review status: no assertion criteria provided. Collection method: clinical testing. Allele origin: germline. Not counted in ClinVar's aggregate classification.
Comment: This variant is classified as benign based on ACMG/AMP sequence variant interpretation guidelines (Richards et al. 2015 PMID: 25741868, with internal and published modifications).